The following is an entry in ClinVar:

ClinVar aggregate classification (germline): Uncertain significance (1 of 4 stars; one submission).

Conditions:
Cardiovascular phenotype. Identifiers: MedGen CN230736.

Submission:

Ambry Genetics
Classification: Uncertain significance for Cardiovascular phenotype. Last evaluated: 2023-10-06. Review status: criteria provided, single submitter. Criteria: Ambry Variant Classification Scheme 2023. Collection method: clinical testing. Allele origin: germline.
Comment: The p.D854V variant (also known as c.2561A>T), located in coding exon 32 of the CACNA2D1 gene, results from an A to T substitution at nucleotide position 2561. The aspartic acid at codon 854 is replaced by valine, an amino acid with highly dissimilar properties. This amino acid position is conserved. In addition, the in silico prediction for this alteration is inconclusive. Since supporting evidence is limited at this time, the clinical significance of this alteration remains unclear.

NM_000722.4(CACNA2D1):c.2561A>T (p.Asp854Val)

Gene: CACNA2D1 (calcium voltage-gated channel auxiliary subunit alpha2delta 1; minus strand). Cytogenetic location: 7q21.11.
Variant type: single nucleotide variant.
Coding change: c.2561A>T on transcript NM_000722.4 (MANE Select); coding-DNA position 2561, A replaced by T.
Protein change: p.Asp854Val; replaces aspartic acid 854 with valine.
Molecular consequence: missense variant.
Genome position (GRCh38, 1-based): chr7:81,965,607, T>A on the plus strand (A>T on the coding strand, the complement: CACNA2D1 is on the minus strand). VCF-style: chr7-81965607-T-A. GRCh37 (hg19) VCF-style: chr7-81594923-T-A.
Other names: c.2597A>T, p.Asp866Val (NM_001366867.1); short protein forms D854V, D866V.
Identifiers: ClinVar variation 3232264 (VCV003232264.1), dbSNP rs1489580089, ClinGen allele CA367886243.